The following is an entry in ClinVar:

NM_000428.3(LTBP2):c.4396G>A (p.Gly1466Arg)

Gene: LTBP2 (latent transforming growth factor beta binding protein 2; minus strand). Cytogenetic location: 14q24.3.
Variant type: single nucleotide variant.
Coding change: c.4396G>A on transcript NM_000428.3 (MANE Select); coding-DNA position 4396, G replaced by A.
Protein change: p.Gly1466Arg; replaces glycine 1466 with arginine.
Molecular consequence: missense variant.
Genome position (GRCh38, 1-based): chr14:74,504,835, C>T on the plus strand (G>A on the coding strand, the complement: LTBP2 is on the minus strand). VCF-style: chr14-74504835-C-T. GRCh37 (hg19) VCF-style: chr14-74971538-C-T.
Other names: short protein forms G1466R.
Identifiers: ClinVar variation 4752285 (VCV004752285.1).
Genomic context (GRCh38, chr14:74,504,835, plus strand): 5'-TACCTGTGTACATGGTCTGTCCAAACGTCCAGGCTCCTTCCACAGGAATGTAGCCTTTTC[C>T]ACTAGGGCAGATCTCGCTGAATTCAGCTATGTAGAGAGGCGTTTCAGCTCAGAGTGGGGA-3'
Protein context (NP_000419.1, residues 1456-1476): SAEFSEICPS[Gly1466Arg]KGYIPVEGAW

ClinVar aggregate classification (germline): Uncertain significance (1 of 4 stars; one submission).

gnomAD v4.1: 218 of 1,614,096 alleles (0.014%); highest among the groups gnomAD compares: Non-Finnish European, 0.018%; no homozygotes.

Submission:

Labcorp Genetics (formerly Invitae), Labcorp
Classification: Uncertain significance. Last evaluated: 2026-01-21. Review status: criteria provided, single submitter. Criteria: Invitae Variant Classification Sherloc (09022015). Collection method: clinical testing. Allele origin: germline.
Comment: This sequence change replaces glycine, which is neutral and non-polar, with arginine, which is basic and polar, at codon 1466 of the LTBP2 protein (p.Gly1466Arg). This variant is present in population databases (rs760036288, gnomAD 0.009%). This variant has not been reported in the literature in individuals affected with LTBP2-related conditions. An algorithm developed to predict the effect of missense changes on protein structure and function (PolyPhen-2) suggests that this variant is likely to be disruptive. In summary, the available evidence is currently insufficient to determine the role of this variant in disease. Therefore, it has been classified as a Variant of Uncertain Significance.